The following is an entry in ClinVar:

NM_001127222.2(CACNA1A):c.3210C>T (p.Asn1070=)

Gene: CACNA1A (calcium voltage-gated channel subunit alpha1 A; minus strand). Cytogenetic location: 19p13.13.
Variant type: single nucleotide variant.
Coding change: c.3210C>T on transcript NM_001127222.2 (MANE Select); coding-DNA position 3210, C replaced by T.
Protein change: p.Asn1070=; no amino-acid change (asparagine 1070 retained).
Molecular consequence: synonymous variant.
Genome position (GRCh38, 1-based): chr19:13,286,846, G>A on the plus strand (C>T on the coding strand, the complement: CACNA1A is on the minus strand). VCF-style: chr19-13286846-G-A. GRCh37 (hg19) VCF-style: chr19-13397660-G-A.
Other names: c.3210C>T (NM_001127222.1); c.3222C>T, p.Asn1074= (NM_000068.4, NM_023035.3); c.3213C>T, p.Asn1071= (NM_001127221.2, NM_001174080.2).
Identifiers: ClinVar variation 1217614 (VCV001217614.14), dbSNP rs369927027, ClinGen allele CA9240390.

ClinVar aggregate classification (germline): Likely benign. Review status: criteria provided, multiple submitters, no conflicts (2 of 4 stars). 4 submissions from 4 submitters: Likely benign (3). 1 of the submissions does not count toward it. Last evaluated 2024-08-22.

Conditions:
Episodic ataxia type 2 (EA2). Also called: ATAXIA, EPISODIC, WITH NYSTAGMUS; ATAXIA, FAMILIAL PAROXYSMAL; CEREBELLAR ATAXIA, PAROXYSMAL, ACETAZOLAMIDE-RESPONSIVE; CEREBELLOPATHY, HEREDITARY PAROXYSMAL; EPISODIC ATAXIA, NYSTAGMUS-ASSOCIATED; ACETAZOLAMIDE-RESPONSIVE HEREDITARY PAROXYSMAL CEREBELLAR ATAXIA. Identifiers: Orphanet 97, MedGen C1720416, MONDO:0007163, OMIM 108500.
Developmental and epileptic encephalopathy, 42 (DEE42A). Also called: Epileptic encephalopathy, early infantile, 42; DEVELOPMENTAL AND EPILEPTIC ENCEPHALOPATHY 42A; EPILEPTIC ENCEPHALOPATHY, EARLY INFANTILE, 42A. Identifiers: MedGen C4310716, MONDO:0014917, OMIM 617106.
CACNA1A-related disorder. Also called: CACNA1A-related condition.

Allele frequency attached by ClinVar (database versions not stated): gnomAD 0.00003; TOPMed 0.00003; ESP Exome Variant Server 0.00008; ExAC 0.00010.
gnomAD v4.1: 69 of 1,613,658 alleles (0.0043%); highest among the groups gnomAD compares: Non-Finnish European, 0.0054%; no homozygotes.

Submissions (4):

Blueprint Genetics
Classification: Likely benign. Last evaluated: 2024-08-22. Review status: criteria provided, single submitter. Criteria: ACMG Guidelines, 2015. Collection method: clinical testing. Allele origin: germline.

Labcorp Genetics (formerly Invitae), Labcorp
Classification: Likely benign for Developmental and epileptic encephalopathy, 42; Episodic ataxia type 2. Last evaluated: 2024-03-03. Review status: criteria provided, single submitter. Criteria: Invitae Variant Classification Sherloc (09022015). Collection method: clinical testing. Allele origin: germline.

GeneDx
Classification: Likely benign. Last evaluated: 2020-09-10. Review status: criteria provided, single submitter. Criteria: GeneDx Variant Classification Process June 2021. Collection method: clinical testing. Allele origin: germline. Affected: yes.

PreventionGenetics, part of Exact Sciences
Classification: Likely benign for CACNA1A-related condition. Last evaluated: 2021-05-19. Review status: no assertion criteria provided. Collection method: clinical testing. Allele origin: germline. Not counted in ClinVar's aggregate classification.
Comment: This variant is classified as likely benign based on ACMG/AMP sequence variant interpretation guidelines (Richards et al. 2015 PMID: 25741868, with internal and published modifications).